The following is an entry in ClinVar:

ClinVar aggregate classification (germline): Uncertain significance (1 of 4 stars; one submission).

Conditions:
Wilson disease (WND). Also called: Wilson's disease. Identifiers: Orphanet 905, MedGen C0019202, MONDO:0010200, OMIM 277900. Disease mechanism: loss of function.

gnomAD v4.1: 1 of 1,614,198 alleles (0.000062%); highest among the groups gnomAD compares: Non-Finnish European, 0.000085%; no homozygotes.

Submission:

All of Us Research Program, National Institutes of Health
Classification: Uncertain significance for Wilson disease. Last evaluated: 2024-02-22. Review status: criteria provided, single submitter. Criteria: ACMG Guidelines, 2015. Collection method: clinical testing. Allele origin: germline. Inheritance: Autosomal recessive inheritance. Observed: 1 variant allele, 1 heterozygote.
Comment: This missense variant replaces asparagine with serine at codon 1302 of the ATP7B protein. Computational prediction is inconclusive regarding the impact of this variant on protein structure and function (internally defined REVEL score threshold 0.5 < inconclusive < 0.7, PMID: 27666373). To our knowledge, functional studies have not been reported for this variant. This variant has not been reported in individuals affected with ATP7B-related disorders in the literature. This variant has been identified in 1/249592 chromosomes in the general population by the Genome Aggregation Database (gnomAD). The available evidence is insufficient to determine the role of this variant in disease conclusively. Therefore, this variant is classified as a Variant of Uncertain Significance.

This study involves interpretation of variants in research participants for the purpose of population health screening. Participant phenotype was not available at the time of variant classification. Additional details can be found in publication PMID: 35346344, PMCID: PMC8962531

NM_000053.4(ATP7B):c.3905A>G (p.Asn1302Ser)

Gene: ATP7B (ATPase copper transporting beta; minus strand). Cytogenetic location: 13q14.3.
Variant type: single nucleotide variant.
Coding change: c.3905A>G on transcript NM_000053.4 (MANE Select); coding-DNA position 3905, A replaced by G.
Protein change: p.Asn1302Ser; replaces asparagine 1302 with serine.
Molecular consequence: missense variant.
Genome position (GRCh38, 1-based): chr13:51,937,392, T>C on the plus strand (A>G on the coding strand, the complement: ATP7B is on the minus strand). VCF-style: chr13-51937392-T-C. GRCh37 (hg19) VCF-style: chr13-52511528-T-C.
Other names: c.3284A>G, p.Asn1095Ser (NM_001005918.3); c.3572A>G, p.Asn1191Ser (NM_001243182.2); c.3671A>G, p.Asn1224Ser (NM_001330578.2, NM_001406527.1, NM_001406528.1); c.3653A>G, p.Asn1218Ser (NM_001330579.2, NM_001406531.1, NM_001406532.1); c.3905A>G, p.Asn1302Ser (NM_001406511.1, NM_001406512.1); c.3899A>G, p.Asn1300Ser (NM_001406513.1); c.3872A>G, p.Asn1291Ser (NM_001406514.1); c.3851A>G, p.Asn1284Ser (NM_001406515.1, NM_001406516.1); and 21 more; short protein forms N1021S, N1075S, N1086S, N1095S, N1108S, N1138S, N1140S, N1153S.
Identifiers: ClinVar variation 3387334 (VCV003387334.1).